The following is an entry in ClinVar:

ClinVar aggregate classification (germline): Uncertain significance (1 of 4 stars; one submission).

Conditions:
Cryptosporidiosis-chronic cholangitis-liver disease syndrome. Also called: Immunodeficiency type 56; IL21R immunodeficiency. Identifiers: Orphanet 357329, MedGen C3554687, MONDO:0014082, OMIM 615207.

Submission:

Labcorp Genetics (formerly Invitae), Labcorp
Classification: Uncertain significance for Cryptosporidiosis-chronic cholangitis-liver disease syndrome. Last evaluated: 2024-02-17. Review status: criteria provided, single submitter. Criteria: Invitae Variant Classification Sherloc (09022015). Collection method: clinical testing. Allele origin: germline.
Comment: This sequence change replaces proline, which is neutral and non-polar, with serine, which is neutral and polar, at codon 145 of the IL21R protein (p.Pro145Ser). This variant is present in population databases (no rsID available, gnomAD 0.006%). This variant has not been reported in the literature in individuals affected with IL21R-related conditions. ClinVar contains an entry for this variant (Variation ID: 952959). Algorithms developed to predict the effect of missense changes on protein structure and function output the following: SIFT: "Not Available"; PolyPhen-2: "Benign"; Align-GVGD: "Not Available". The serine amino acid residue is found in multiple mammalian species, which suggests that this missense change does not adversely affect protein function. In summary, the available evidence is currently insufficient to determine the role of this variant in disease. Therefore, it has been classified as a Variant of Uncertain Significance.

NM_181078.3(IL21R):c.433C>T (p.Pro145Ser)

Gene: IL21R (interleukin 21 receptor; plus strand). Cytogenetic location: 16p12.1.
Variant type: single nucleotide variant.
Coding change: c.433C>T on transcript NM_181078.3 (MANE Select); coding-DNA position 433, C replaced by T.
Protein change: p.Pro145Ser; replaces proline 145 with serine.
Molecular consequence: missense variant.
Genome position (GRCh38, 1-based): chr16:27,443,042, C>T. VCF-style: chr16-27443042-C-T. GRCh37 (hg19) VCF-style: chr16-27454363-C-T.
Other names: c.433C>T, p.Pro145Ser (NM_021798.4); c.499C>T, p.Pro167Ser (NM_181079.5); short protein forms P145S, P167S.
Identifiers: ClinVar variation 952959 (VCV000952959.9), dbSNP rs749503528, ClinGen allele CA395302029.